The following is an entry in ClinVar:

NM_000384.3(APOB):c.2967C>T (p.Ser989=)

Gene: APOB (apolipoprotein B; minus strand). Cytogenetic location: 2p24.1.
Variant type: single nucleotide variant.
Coding change: c.2967C>T on transcript NM_000384.3 (MANE Select); coding-DNA position 2967, C replaced by T.
Protein change: p.Ser989=; no amino-acid change (serine 989 retained).
Molecular consequence: synonymous variant.
Genome position (GRCh38, 1-based): chr2:21,019,755, G>A on the plus strand (C>T on the coding strand, the complement: APOB is on the minus strand). VCF-style: chr2-21019755-G-A. GRCh37 (hg19) VCF-style: chr2-21242627-G-A.
Identifiers: ClinVar variation 1106931 (VCV001106931.22), dbSNP rs773461882, ClinGen allele CA057615.

ClinVar aggregate classification (germline): Likely benign. Review status: criteria provided, multiple submitters, no conflicts (2 of 4 stars). 5 submissions from 5 submitters: Likely benign (5). Last evaluated 2025-09-01.

Conditions:
Cardiovascular phenotype. Identifiers: MedGen CN230736.
Familial hypobetalipoproteinemia 1. Also called: APOB-Related Familial Hypobetalipoproteinemia; Hypobetalipoproteinemia, normotriglyceridemic; Acanthocytosis with hypobetalipoproteinemia. Identifiers: MedGen C4551990, MONDO:0014252, OMIM 615558.
Hypercholesterolemia, autosomal dominant, type B (FHCL2). Also called: Familial hypercholesterolemia 2; APOLIPOPROTEIN B-100, FAMILIAL DEFECTIVE; APOLIPOPROTEIN B-100, FAMILIAL LIGAND-DEFECTIVE; Hyperlipoproteinemia Type IIb; HYPERCHOLESTEROLEMIA, FAMILIAL, DUE TO LIGAND-DEFECTIVE APOLIPOPROTEIN B; Familial Hypercholesterolemia Type B. Identifiers: MedGen C1704417, MONDO:0007751, OMIM 144010.

Allele frequency attached by ClinVar (database versions not stated): gnomAD 0.00001; TOPMed 0.00003.
gnomAD v4.1: 33 of 1,614,038 alleles (0.002%); highest among the groups gnomAD compares: East Asian, 0.018%; no homozygotes.

Submissions (5):

CeGaT Center for Human Genetics Tuebingen
Classification: Likely benign. Last evaluated: 2025-09-01. Review status: criteria provided, single submitter. Criteria: CeGaT Center For Human Genetics Tuebingen Variant Classification Criteria Version 2. Collection method: clinical testing. Allele origin: germline. Affected: yes. Observed: 1 variant allele.
Comment: APOB: BP4, BP7

Labcorp Genetics (formerly Invitae), Labcorp
Classification: Likely benign for Familial hypobetalipoproteinemia 1; Hypercholesterolemia, autosomal dominant, type B. Last evaluated: 2025-09-01. Review status: criteria provided, single submitter. Criteria: Invitae Variant Classification Sherloc (09022015). Collection method: clinical testing. Allele origin: germline.

Blueprint Genetics
Classification: Likely benign. Last evaluated: 2023-06-07. Review status: criteria provided, single submitter. Criteria: ACMG Guidelines, 2015. Collection method: clinical testing. Allele origin: germline.

Fulgent Genetics
Classification: Likely benign for Hypercholesterolemia, autosomal dominant, type B; Familial hypobetalipoproteinemia 1. Last evaluated: 2021-08-10. Review status: criteria provided, single submitter. Criteria: ACMG Guidelines, 2015. Collection method: clinical testing. Allele origin: unknown.

Ambry Genetics
Classification: Likely benign for Cardiovascular phenotype. Last evaluated: 2018-11-19. Review status: criteria provided, single submitter. Criteria: Ambry Variant Classification Scheme 2023. Collection method: clinical testing. Allele origin: germline.